The following is an entry in ClinVar:

NM_001278716.2(FBXL4):c.737T>C (p.Ile246Thr)

Gene: FBXL4 (F-box and leucine rich repeat protein 4; minus strand). Cytogenetic location: 6q16.2.
Variant type: single nucleotide variant.
Coding change: c.737T>C on transcript NM_001278716.2 (MANE Select); coding-DNA position 737, T replaced by C.
Protein change: p.Ile246Thr; replaces isoleucine 246 with threonine.
Molecular consequence: missense variant.
Genome position (GRCh38, 1-based): chr6:98,917,495, A>G on the plus strand (T>C on the coding strand, the complement: FBXL4 is on the minus strand). VCF-style: chr6-98917495-A-G. GRCh37 (hg19) VCF-style: chr6-99365371-A-G.
Other names: c.737T>C, p.Ile246Thr (NM_012160.5); short protein forms I246T.
Identifiers: ClinVar variation 437626 (VCV000437626.42), dbSNP rs143154211, ClinGen allele CA3933626.

ClinVar aggregate classification (germline): Conflicting classifications of pathogenicity. Review status: criteria provided, conflicting classifications (1 of 4 stars). 8 submissions from 8 submitters: Uncertain significance (3); Likely benign (4). 1 of the submissions does not count toward it. Last evaluated 2026-03-12.

Conditions:
FBXL4-related disorder. Also called: FBXL4-related condition.
Mitochondrial DNA depletion syndrome 13. Also called: FBXL4-Related Encephalomyopathic Mitochondrial DNA Depletion Syndrome; Mitochondrial DNA depletion syndrome 13 (encephalomyopathic type). Identifiers: Orphanet 369897, MedGen C3809592, MONDO:0014198, OMIM 615471.

Allele frequency attached by ClinVar (database versions not stated): 1000 Genomes Project 30x 0.00016; 1000 Genomes Project 0.00020; ESP Exome Variant Server 0.00054; ExAC 0.00058; TOPMed 0.00062; gnomAD exomes 0.00065 and 0.00091; gnomAD 0.00074 and 0.00076.
gnomAD v4.1: 1,427 of 1,614,062 alleles (0.088%); highest among the groups gnomAD compares: Non-Finnish European, 0.11%; 1 homozygote.

Submissions (8):

PreventionGenetics, part of Exact Sciences
Classification: Likely benign for FBXL4-related condition. Last evaluated: 2026-03-12. Review status: criteria provided, single submitter. Criteria: ACMG Guidelines, 2015. Collection method: clinical testing. Allele origin: germline.
Comment: This variant is classified as likely benign based on ACMG/AMP sequence variant interpretation guidelines (Richards et al. 2015 PMID: 25741868, with internal and published modifications).

Labcorp Genetics (formerly Invitae), Labcorp
Classification: Likely benign. Last evaluated: 2026-02-02. Review status: criteria provided, single submitter. Criteria: Invitae Variant Classification Sherloc (09022015). Collection method: clinical testing. Allele origin: germline.

GeneDx
Classification: Uncertain significance. Last evaluated: 2025-06-27. Review status: criteria provided, single submitter. Criteria: GeneDx Variant Classification Process June 2021. Collection method: clinical testing. Allele origin: germline.
Comment: In silico analysis suggests that this missense variant does not alter protein structure/function; Has not been previously published as pathogenic or benign to our knowledge

Blueprint Genetics
Classification: Likely benign. Last evaluated: 2024-11-21. Review status: criteria provided, single submitter. Criteria: ACMG Guidelines, 2015. Collection method: clinical testing. Allele origin: germline.

CeGaT Center for Human Genetics Tuebingen
Classification: Likely benign. Last evaluated: 2023-07-01. Review status: criteria provided, single submitter. Criteria: CeGaT Center For Human Genetics Tuebingen Variant Classification Criteria Version 2. Collection method: clinical testing. Allele origin: germline. Affected: yes. Observed: 2 variant alleles.
Comment: FBXL4: BP4

Baylor Genetics
Classification: Uncertain significance for Mitochondrial DNA depletion syndrome 13. Last evaluated: 2019-05-03. Review status: criteria provided, single submitter. Criteria: ACMG Guidelines, 2015. Collection method: clinical testing. Allele origin: maternal. Affected: yes.
Comment: This variant was determined to be of uncertain significance according to ACMG Guidelines, 2015 [PMID:25741868].

Wong Mito Lab, Molecular and Human Genetics, Baylor College of Medicine
Classification: Uncertain significance for Mitochondrial DNA depletion syndrome 13. Last evaluated: 2017-08-10. Review status: criteria provided, single submitter. Criteria: ACMG Guidelines, 2015. Collection method: reference population. Allele origin: germline.
Comment: The NM_012160.4:c.737T>C (NP_036292.2:p.Ile246Thr) [GRCH38: NC_000006.12:g.98917495A>G] variant in FBXL4 gene is interpretated to be a Uncertain Significance - Conflicting Evidence based on ACMG guidelines (PMID: 25741868). This variant meets one or more of the following evidence codes reported in the ACMG-guideline. PM2:This variant is absent in key population databases. BP4:Computational evidence/predictors indicate no impact on the FBXL4 structure, function, or protein-protein interaction. Based on this evidence code ClinGen Pathogenicity Calculator (PMID:28081714) suggested that the variant is Uncertain Significance - Conflicting Evidence.

Mayo Clinic Laboratories, Mayo Clinic
Classification: Uncertain significance. Last evaluated: 2016-02-29. Review status: no assertion criteria provided. Collection method: clinical testing. Allele origin: unknown. Not counted in ClinVar's aggregate classification.